The following is an entry in ClinVar:

NM_000557.5(GDF5):c.168C>A (p.Asn56Lys)

Gene: GDF5 (growth differentiation factor 5; minus strand). Cytogenetic location: 20q11.22.
Variant type: single nucleotide variant.
Coding change: c.168C>A on transcript NM_000557.5 (MANE Select); coding-DNA position 168, C replaced by A.
Protein change: p.Asn56Lys; replaces asparagine 56 with lysine.
Molecular consequence: missense variant.
Genome position (GRCh38, 1-based): chr20:35,437,761, G>T on the plus strand (C>A on the coding strand, the complement: GDF5 is on the minus strand). VCF-style: chr20-35437761-G-T. GRCh37 (hg19) VCF-style: chr20-34025541-G-T.
Other names: c.168C>A, p.Asn56Lys (NM_001319138.2); short protein forms N56K.
Identifiers: ClinVar variation 338323 (VCV000338323.11), dbSNP rs199666386, ClinGen allele CA9832412.
Genomic context (GRCh38, chr20:35,437,761, plus strand): 5'-TGCCCTGGCATTGGCATTGGTGGCCCCCCCACCATAGCTGTGACCCCCTGGCCTGAAGAC[G>T]TTCCGGGCCAGGGGGGGCCTCTCCTTGGCCTCTGCTTTGGCCAATCCTGGCCTGGTCCCC-3'
Protein context (NP_000548.2, residues 46-66): EAKERPPLAR[Asn56Lys]VFRPGGHSYG

ClinVar aggregate classification (germline): Conflicting classifications of pathogenicity. Review status: criteria provided, conflicting classifications (1 of 4 stars). 8 submissions from 4 submitters: Uncertain significance (6); Likely benign (2). Last evaluated 2026-01-19.

Conditions:
Inborn genetic diseases. Identifiers: MedGen C0950123, MeSH D030342.
Brachydactyly. Also called: Brachydactyly syndrome; Brachydactyly (disease). Identifiers: MedGen C0221357, MONDO:0021004, HP:0001156.
Acromesomelic dysplasia 2B. Also called: DU PAN SYNDROME. Identifiers: Orphanet 2639, MedGen C1856738, MONDO:0009231, OMIM 228900.
Multiple synostoses syndrome 2 (SYNS2). Identifiers: Orphanet 3237, MedGen C1832708, MONDO:0012394, OMIM 610017.
Grebe syndrome. Also called: ACROMESOMELIC DYSPLASIA, GREBE TYPE; GREBE DYSPLASIA; ACROMESOMELIC DYSPLASIA 2A. Identifiers: Orphanet 2098, MedGen C0265260, MONDO:0008703, OMIM 200700.
Acromesomelic dysplasia 2C, Hunter-Thompson type. Also called: Acromesomelic dysplasia, Hunter-Thompson type. Identifiers: Orphanet 968, MedGen C2930970, MONDO:0008717, OMIM 201250.

Allele frequency attached by ClinVar (database versions not stated): TOPMed 0.00002; 1000 Genomes Project 30x 0.00016.
gnomAD v4.1: 28 of 1,612,352 alleles (0.0017%); highest among the groups gnomAD compares: Admixed American, 0.028%; no homozygotes.

Submissions (8):

Labcorp Genetics (formerly Invitae), Labcorp
Classification: Uncertain significance. Last evaluated: 2026-01-19. Review status: criteria provided, single submitter. Criteria: Invitae Variant Classification Sherloc (09022015). Collection method: clinical testing. Allele origin: germline.
Comment: This sequence change replaces asparagine, which is neutral and polar, with lysine, which is basic and polar, at codon 56 of the GDF5 protein (p.Asn56Lys). This variant is present in population databases (rs199666386, gnomAD 0.04%). This variant has not been reported in the literature in individuals affected with GDF5-related conditions. ClinVar contains an entry for this variant (Variation ID: 338323). An algorithm developed to predict the effect of missense changes on protein structure and function (PolyPhen-2) suggests that this variant is likely to be tolerated. In summary, the available evidence is currently insufficient to determine the role of this variant in disease. Therefore, it has been classified as a Variant of Uncertain Significance.

Blueprint Genetics
Classification: Uncertain significance. Last evaluated: 2023-05-31. Review status: criteria provided, single submitter. Criteria: ACMG Guidelines, 2015. Collection method: clinical testing. Allele origin: germline.

Ambry Genetics
Classification: Uncertain significance for Inborn genetic diseases. Last evaluated: 2021-12-14. Review status: criteria provided, single submitter. Criteria: Ambry Variant Classification Scheme 2023. Collection method: clinical testing. Allele origin: germline.

Illumina Laboratory Services, Illumina
Classification: Uncertain significance for Grebe syndrome. Last evaluated: 2018-01-12. Review status: criteria provided, single submitter. Criteria: ICSL Variant Classification Criteria 13 December 2019. Collection method: clinical testing. Allele origin: germline.

Illumina Laboratory Services, Illumina
Classification: Likely benign for Multiple synostoses syndrome 2. Last evaluated: 2018-01-12. Review status: criteria provided, single submitter. Criteria: ICSL Variant Classification Criteria 13 December 2019. Collection method: clinical testing. Allele origin: germline.
Comment: This variant was observed in the ICSL laboratory as part of a predisposition screen in an ostensibly healthy population. It had not been previously curated by ICSL or reported in the Human Gene Mutation Database (HGMD: prior to June 1st, 2018), and was therefore a candidate for classification through an automated scoring system. Utilizing variant allele frequency, disease prevalence and penetrance estimates, and inheritance mode, an automated score was calculated to assess if this variant is too frequent to cause the disease. Based on the score and internal cut-off values, a variant classified as likely benign is not then subjected to further curation. The score for this variant resulted in a classification of likely benign for this disease.

Illumina Laboratory Services, Illumina
Classification: Likely benign for Brachydactyly. Last evaluated: 2018-01-12. Review status: criteria provided, single submitter. Criteria: ICSL Variant Classification Criteria 13 December 2019. Collection method: clinical testing. Allele origin: germline.
Comment: the same text as in the submission from Illumina Laboratory Services, Illumina above.

Illumina Laboratory Services, Illumina
Classification: Uncertain significance for Acromesomelic dysplasia 2C, Hunter-Thompson type. Last evaluated: 2018-01-12. Review status: criteria provided, single submitter. Criteria: ICSL Variant Classification Criteria 13 December 2019. Collection method: clinical testing. Allele origin: germline.

Illumina Laboratory Services, Illumina
Classification: Uncertain significance for Fibular hypoplasia and complex brachydactyly. Last evaluated: 2018-01-12. Review status: criteria provided, single submitter. Criteria: ICSL Variant Classification Criteria 13 December 2019. Collection method: clinical testing. Allele origin: germline.